The following is an entry in ClinVar:

NM_020754.4(ARHGAP31):c.3338T>C (p.Ile1113Thr)

Gene: ARHGAP31 (Rho GTPase activating protein 31; plus strand). Cytogenetic location: 3q13.33.
Variant type: single nucleotide variant.
Coding change: c.3338T>C on transcript NM_020754.4 (MANE Select); coding-DNA position 3338, T replaced by C.
Protein change: p.Ile1113Thr; replaces isoleucine 1113 with threonine.
Molecular consequence: missense variant.
Genome position (GRCh38, 1-based): chr3:119,415,267, T>C. VCF-style: chr3-119415267-T-C. GRCh37 (hg19) VCF-style: chr3-119134114-T-C.
Other names: short protein forms I1113T.
Identifiers: ClinVar variation 2871485 (VCV002871485.3), dbSNP rs773871266, ClinGen allele CA2554182.

ClinVar aggregate classification (germline): Uncertain significance (1 of 4 stars; one submission).

Allele frequency attached by ClinVar (database versions not stated): TOPMed below 0.00001.

Submission:

Labcorp Genetics (formerly Invitae), Labcorp
Classification: Uncertain significance. Last evaluated: 2025-06-12. Review status: criteria provided, single submitter. Criteria: Invitae Variant Classification Sherloc (09022015). Collection method: clinical testing. Allele origin: germline.
Comment: This sequence change replaces isoleucine, which is neutral and non-polar, with threonine, which is neutral and polar, at codon 1113 of the ARHGAP31 protein (p.Ile1113Thr). This variant is present in population databases (rs773871266, gnomAD 0.007%). This variant has not been reported in the literature in individuals affected with ARHGAP31-related conditions. ClinVar contains an entry for this variant (Variation ID: 2871485). An algorithm developed to predict the effect of missense changes on protein structure and function outputs the following: PolyPhen-2: "Benign". The threonine amino acid residue is found in multiple mammalian species, which suggests that this missense change does not adversely affect protein function. In summary, the available evidence is currently insufficient to determine the role of this variant in disease. Therefore, it has been classified as a Variant of Uncertain Significance.